The following is an entry in ClinVar:

ClinVar aggregate classification (germline): Uncertain significance. Review status: criteria provided, multiple submitters, no conflicts (2 of 4 stars). 6 submissions from 6 submitters: Uncertain significance (6). Last evaluated 2024-03-19.

Conditions:
Ectopia lentis 1, isolated, autosomal dominant (ECTOL1). Identifiers: Orphanet 1885, MedGen C3541518, MONDO:0007514, OMIM 129600.
Marfan syndrome (MFS). Also called: MARFAN SYNDROME, TYPE I; FBN1-Related Marfan Syndrome; Marfan syndrome, classic; Marfan syndrome type 1; Marfan's syndrome. Identifiers: Orphanet 284963, Orphanet 558, MedGen C0024796, MONDO:0007947, OMIM 154700.
Acromicric dysplasia (ACMICD). Also called: Acromicric skeletal dysplasia. Identifiers: Orphanet 969, MedGen C0265287, MONDO:0007055, OMIM 102370.
Geleophysic dysplasia 2 (GPHYSD2). Identifiers: Orphanet 2623, MedGen C3280054, MONDO:0013612, OMIM 614185.
MASS syndrome (OCTD). Also called: OVERLAP CONNECTIVE TISSUE DISEASE; MASS PHENOTYPE. Identifiers: MedGen C1858556, MONDO:0011431, OMIM 604308.
Stiff skin syndrome (SSKS). Identifiers: Orphanet 2833, MedGen C1861456, MONDO:0008492, OMIM 184900.
Weill-Marchesani syndrome 2, dominant. Also called: FBN1-Related Weill-Marchesani Syndrome; Weill-Marchesani Syndrome, Autosomal Dominant. Identifiers: Orphanet 2084, MedGen C1869115, MONDO:0012013, OMIM 608328.
Progeroid and marfanoid aspect-lipodystrophy syndrome. Also called: MARFANOID-PROGEROID-LIPODYSTROPHY SYNDROME; MARFANOID-PROGEROID SYNDROME; MARFAN-PROGEROID-LIPODYSTROPHY SYNDROME; Marfan lipodystrophy syndrome. Identifiers: Orphanet 300382, MedGen C4310796, MONDO:0014831, OMIM 616914.
Familial thoracic aortic aneurysm and aortic dissection (TAAD). Also called: Thoracic aortic aneurysms and dissections. Identifiers: Orphanet 91387, MedGen C4707243, MONDO:0019625.

Allele frequency attached by ClinVar (database versions not stated): TOPMed 0.00001; gnomAD 0.00001; gnomAD exomes below 0.00001.

Submissions (6):

GeneDx
Classification: Uncertain significance. Last evaluated: 2024-03-19. Review status: criteria provided, single submitter. Criteria: GeneDx Variant Classification Process June 2021. Collection method: clinical testing. Allele origin: germline. Affected: yes.
Comment: Not observed at significant frequency in large population cohorts (gnomAD); In-frame deletion of 1 amino acid in a non-repeat region; In silico analysis supports a deleterious effect on protein structure/function; Has not been previously published as pathogenic or benign to our knowledge; This variant is associated with the following publications: (PMID: 12938084, 31506931)

All of Us Research Program, National Institutes of Health
Classification: Uncertain significance for Marfan syndrome. Last evaluated: 2023-12-13. Review status: criteria provided, single submitter. Criteria: ACMG Guidelines, 2015. Collection method: clinical testing. Allele origin: germline. Inheritance: Autosomal dominant inheritance. Observed: 3 variant alleles, 3 heterozygotes.
Comment: This variant causes an in-frame deletion of one amino acid of the FBN1 protein. To our knowledge, functional studies have not been reported for this variant. This variant has not been reported in individuals affected with cardiovascular disorders in the literature. This variant has been identified in 1/251088 chromosomes in the general population by the Genome Aggregation Database (gnomAD). The available evidence is insufficient to determine the role of this variant in disease conclusively. Therefore, this variant is classified as a Variant of Uncertain Significance.

This study involves interpretation of variants in research participants for the purpose of population health screening. Participant phenotype was not available at the time of variant classification. Additional details can be found in publication PMID: 35346344, PMCID: PMC8962531

Color Diagnostics, LLC DBA Color Health
Classification: Uncertain significance for Familial thoracic aortic aneurysm and aortic dissection. Last evaluated: 2023-11-03. Review status: criteria provided, single submitter. Criteria: ACMG Guidelines, 2015. Collection method: clinical testing. Allele origin: germline.
Comment: This variant causes a deletion of asparagine at codon 1926 of the FBN1 protein. To our knowledge, functional studies have not been reported for this variant. This variant has not been reported in individuals affected with FBN1-related disorders in the literature. This variant has been identified in 1/251088 chromosomes in the general population by the Genome Aggregation Database (gnomAD). The available evidence is insufficient to determine the role of this variant in disease conclusively. Therefore, this variant is classified as a Variant of Uncertain Significance.

Labcorp Genetics (formerly Invitae), Labcorp
Classification: Uncertain significance for Marfan syndrome; Familial thoracic aortic aneurysm and aortic dissection. Last evaluated: 2023-09-10. Review status: criteria provided, single submitter. Criteria: Invitae Variant Classification Sherloc (09022015). Collection method: clinical testing. Allele origin: germline.
Comment: In summary, the available evidence is currently insufficient to determine the role of this variant in disease. Therefore, it has been classified as a Variant of Uncertain Significance. Experimental studies and prediction algorithms are not available or were not evaluated, and the functional significance of this variant is currently unknown. ClinVar contains an entry for this variant (Variation ID: 263883). This variant has not been reported in the literature in individuals affected with FBN1-related conditions. This variant is present in population databases (no rsID available, gnomAD 0.0009%). This variant, c.5776_5778del, results in the deletion of 1 amino acid(s) of the FBN1 protein (p.Asn1926del), but otherwise preserves the integrity of the reading frame.

Fulgent Genetics
Classification: Uncertain significance for Acromicric dysplasia; Ectopia lentis 1, isolated, autosomal dominant; Marfan syndrome; Stiff skin syndrome; MASS syndrome; Weill-Marchesani syndrome 2, dominant; Geleophysic dysplasia 2; Progeroid and marfanoid aspect-lipodystrophy syndrome. Last evaluated: 2021-11-10. Review status: criteria provided, single submitter. Criteria: ACMG Guidelines, 2015. Collection method: clinical testing. Allele origin: unknown.

Ambry Genetics
Classification: Uncertain significance for Familial thoracic aortic aneurysm and aortic dissection. Last evaluated: 2019-02-26. Review status: criteria provided, single submitter. Criteria: Ambry Variant Classification Scheme 2023. Collection method: clinical testing. Allele origin: germline.
Comment: The c.5776_5778delAAT variant (also known as p.N1926del) is located in coding exon 46 of the FBN1 gene. This variant results from an in-frame deletion of 3 nucleotides at positions 5776 to 5778, causing the removal of a well-conserved asparagine residue at codon 1926. Since supporting evidence is limited at this time, the clinical significance of this alteration remains unclear.

NM_000138.5(FBN1):c.5776_5778del (p.Asn1926del)

Gene: FBN1 (fibrillin 1; minus strand). Cytogenetic location: 15q21.1.
Variant type: Deletion.
Coding change: c.5776_5778del on transcript NM_000138.5 (MANE Select); coding-DNA positions 5776 to 5778, 3 bases deleted (AAT; older notation c.5776_5778delAAT).
Protein change: p.Asn1926del; deletes asparagine 1926.
Molecular consequence: inframe deletion.
Genome position (GRCh38, 1-based): chr15:48,446,716-48,446,718, ATT deleted on the plus strand (AAT on the coding strand, the reverse complement: FBN1 is on the minus strand). VCF-style (leftmost placement, unchanged base first): chr15-48446715-CATT-C. GRCh37 (hg19) VCF-style: chr15-48738912-CATT-C.
Other names: c.5776_5778delAAT (NM_000138.4); short protein forms N1926del.
Identifiers: ClinVar variation 263883 (VCV000263883.16), dbSNP rs886038964, ClinGen allele CA10587812.